The following is an entry in ClinVar:

ClinVar aggregate classification (germline): Uncertain significance (0 of 4 stars; one submission).

Conditions:
CNTNAP1-related disorder. Also called: CNTNAP1-related disease; CNTNAP1-related condition.

gnomAD v4.1: 2 of 1,614,126 alleles (0.00012%); highest among the groups gnomAD compares: Non-Finnish European, 0.00017%; no homozygotes.

Submission:

PreventionGenetics, part of Exact Sciences
Classification: Uncertain significance for CNTNAP1-related condition. Last evaluated: 2024-07-15. Review status: no assertion criteria provided. Collection method: clinical testing. Allele origin: germline.
Comment: The CNTNAP1 c.3448C>A variant is predicted to result in the amino acid substitution p.Arg1150Ser. To our knowledge, this variant has not been reported in the literature or in a large population database, indicating this variant is rare. At this time, the clinical significance of this variant is uncertain due to the absence of conclusive functional and genetic evidence.

NM_003632.3(CNTNAP1):c.3448C>A (p.Arg1150Ser)

Gene: CNTNAP1 (contactin associated protein 1; plus strand). Cytogenetic location: 17q21.2.
Variant type: single nucleotide variant.
Coding change: c.3448C>A on transcript NM_003632.3 (MANE Select); coding-DNA position 3448, C replaced by A.
Protein change: p.Arg1150Ser; replaces arginine 1150 with serine.
Molecular consequence: missense variant.
Genome position (GRCh38, 1-based): chr17:42,696,126, C>A. VCF-style: chr17-42696126-C-A. GRCh37 (hg19) VCF-style: chr17-40848144-C-A.
Other names: short protein forms R1150S.
Identifiers: ClinVar variation 3344324 (VCV003344324.1).